The following is an entry in ClinVar:

NM_014974.3(DIP2C):c.38T>A (p.Leu13Gln)

Gene: DIP2C (DIP2 acetate--CoA ligase C (putative); minus strand). Cytogenetic location: 10p15.3.
Variant type: single nucleotide variant.
Coding change: c.38T>A on transcript NM_014974.3 (MANE Select); coding-DNA position 38, T replaced by A.
Protein change: p.Leu13Gln; replaces leucine 13 with glutamine.
Molecular consequence: missense variant.
Genome position (GRCh38, 1-based): chr10:689,541, A>T on the plus strand (T>A on the coding strand, the complement: DIP2C is on the minus strand). VCF-style: chr10-689541-A-T. GRCh37 (hg19) VCF-style: chr10-735481-A-T.
Other names: short protein forms L13Q.
Identifiers: ClinVar variation 3272105 (VCV003272105.2).

ClinVar aggregate classification (germline): Uncertain significance. Review status: criteria provided, multiple submitters, no conflicts (2 of 4 stars). 2 submissions from 2 submitters: Uncertain significance (2). Last evaluated 2025-03-10.

Conditions:
Inborn genetic diseases. Identifiers: MedGen C0950123, MeSH D030342.

gnomAD v4.1: 2 of 1,297,612 alleles (0.00015%); highest among the groups gnomAD compares: Non-Finnish European, 0.0002%; no homozygotes.

Submissions (2):

Labcorp Genetics (formerly Invitae), Labcorp
Classification: Uncertain significance. Last evaluated: 2025-03-10. Review status: criteria provided, single submitter. Criteria: Invitae Variant Classification Sherloc (09022015). Collection method: clinical testing. Allele origin: germline.
Comment: This sequence change replaces leucine, which is neutral and non-polar, with glutamine, which is neutral and polar, at codon 13 of the DIP2C protein (p.Leu13Gln). This variant is not present in population databases (gnomAD no frequency). This variant has not been reported in the literature in individuals affected with DIP2C-related conditions. ClinVar contains an entry for this variant (Variation ID: 3272105). An algorithm developed to predict the effect of missense changes on protein structure and function (PolyPhen-2) suggests that this variant is likely to be tolerated. In summary, the available evidence is currently insufficient to determine the role of this variant in disease. Therefore, it has been classified as a Variant of Uncertain Significance.

Ambry Genetics
Classification: Uncertain significance for Inborn genetic diseases. Last evaluated: 2024-04-29. Review status: criteria provided, single submitter. Criteria: Ambry Variant Classification Scheme 2023. Collection method: clinical testing. Allele origin: germline.